The following is an entry in ClinVar:

ClinVar aggregate classification (germline): Pathogenic (1 of 4 stars; one submission).

Conditions:
Joubert syndrome and related disorders. Identifiers: Orphanet 140874, MedGen C5679612, MONDO:0015369.

Submission:

Myriad Genetics, Inc.
Classification: Pathogenic for Joubert syndrome and related disorders. Last evaluated: 2026-05-11. Review status: criteria provided, single submitter. Criteria: Myriad Autosomal Dominant, Autosomal Recessive and X-Linked Classification Criteria (2023). Collection method: clinical testing. Allele origin: unknown.
Comment: NM_001080522.2(CC2D2A):c.1617delT(D540Tfs*17) is expected to be pathogenic in the context of CC2D2A-related disorders. This variant is predicted to lead to an abnormal or absent protein product due to the creation of a premature termination codon in CC2D2A, a gene where loss-of-function variants are known to be pathogenic. Please note: this variant was assessed in the context of healthy population screening.

NM_001378615.1(CC2D2A):c.1617del (p.Asp540fs)

Genes: CC2D2A (coiled-coil and C2 domain containing 2A; plus strand), FBXL5 (F-box and leucine rich repeat protein 5; minus strand). Cytogenetic location: 4p15.32.
Variant type: Deletion.
Coding change: c.1617del on transcript NM_001378615.1 (MANE Select); coding-DNA position 1617, one base deleted (T; older notation c.1617delT).
Protein change: p.Asp540fs; shifts the reading frame from aspartic acid 540.
Molecular consequence: frameshift variant.
Genome position (GRCh38, 1-based): chr4:15,536,929, T deleted. VCF-style (leftmost placement, unchanged base first): chr4-15536928-CT-C. GRCh37 (hg19) VCF-style: chr4-15538551-CT-C.
Other names: c.1617del, p.Asp540fs (NM_001080522.2); c.1470del, p.Asp491fs (NM_001378617.1); short protein forms D491fs, D540fs.
Identifiers: ClinVar variation 5015900 (VCV005015900.1).